The following is an entry in ClinVar:

NM_025114.4(CEP290):c.1154T>C (p.Ile385Thr)

Gene: CEP290 (centrosomal protein 290; minus strand). Cytogenetic location: 12q21.32.
Variant type: single nucleotide variant.
Coding change: c.1154T>C on transcript NM_025114.4 (MANE Select); coding-DNA position 1154, T replaced by C.
Protein change: p.Ile385Thr; replaces isoleucine 385 with threonine.
Molecular consequence: missense variant.
Genome position (GRCh38, 1-based): chr12:88,125,281, A>G on the plus strand (T>C on the coding strand, the complement: CEP290 is on the minus strand). VCF-style: chr12-88125281-A-G. GRCh37 (hg19) VCF-style: chr12-88519058-A-G.
Other names: short protein forms I385T.
Identifiers: ClinVar variation 5001136 (VCV005001136.1).
Genomic context (GRCh38, chr12:88,125,281, plus strand): 5'-AATAACTATATATTTATAAAAATACCTTTGTTTCTTTGGAGCTCATTTTTCAAATCTTCA[A>G]TAATACAAGTATTCTTTTCCATTTCTTTTGTATATTGTTCTACTTGTTCGGTGAGCATCT-3'
Protein context (NP_079390.3, residues 375-395): TKEMEKNTCI[Ile385Thr]EDLKNELQRN

ClinVar aggregate classification (germline): Uncertain significance (1 of 4 stars; one submission).

Conditions:
CEP290-related disorder. Also called: CEP290-related condition; CEP290-related disorders. Identifiers: MedGen CN239314.

gnomAD v4.1: 1 of 1,049,122 alleles (0.000095%); highest among the groups gnomAD compares: Non-Finnish European, 0.00013%; no homozygotes.

Submission:

PreventionGenetics, part of Exact Sciences
Classification: Uncertain significance for CEP290-related condition. Last evaluated: 2026-06-01. Review status: criteria provided, single submitter. Criteria: ACMG Guidelines, 2015. Collection method: clinical testing. Allele origin: germline.
Comment: The CEP290 c.1154T>C variant is predicted to result in the amino acid substitution p.Ile385Thr. To our knowledge, this variant has not been reported in the literature or in a large population database (gnomAD), indicating this variant is rare. At this time, the clinical significance of this variant is uncertain due to the absence of conclusive functional and genetic evidence.